The following is an entry in ClinVar:

ClinVar aggregate classification (germline): Uncertain significance. Review status: criteria provided, multiple submitters, no conflicts (2 of 4 stars). 2 submissions from 2 submitters: Uncertain significance (2). Last evaluated 2025-10-15.

Conditions:
Inborn genetic diseases. Identifiers: MedGen C0950123, MeSH D030342.

Allele frequency attached by ClinVar (database versions not stated): gnomAD 0.00001.
gnomAD v4.1: 9 of 1,614,000 alleles (0.00056%); highest among the groups gnomAD compares: Middle Eastern, 0.016%; no homozygotes.

Submissions (2):

Ambry Genetics
Classification: Uncertain significance for Inborn genetic diseases. Last evaluated: 2025-10-15. Review status: criteria provided, single submitter. Criteria: Ambry Variant Classification Scheme 2023. Collection method: clinical testing. Allele origin: germline.

Labcorp Genetics (formerly Invitae), Labcorp
Classification: Uncertain significance. Last evaluated: 2025-05-16. Review status: criteria provided, single submitter. Criteria: Invitae Variant Classification Sherloc (09022015). Collection method: clinical testing. Allele origin: germline.
Comment: This sequence change replaces methionine, which is neutral and non-polar, with leucine, which is neutral and non-polar, at codon 813 of the VPS13D protein (p.Met813Leu). This variant is present in population databases (no rsID available, gnomAD 0.002%). This variant has not been reported in the literature in individuals affected with VPS13D-related conditions. ClinVar contains an entry for this variant (Variation ID: 1939337). Invitae Evidence Modeling of protein sequence and biophysical properties (such as structural, functional, and spatial information, amino acid conservation, physicochemical variation, residue mobility, and thermodynamic stability) indicates that this missense variant is not expected to disrupt VPS13D protein function with a negative predictive value of 80%. In summary, the available evidence is currently insufficient to determine the role of this variant in disease. Therefore, it has been classified as a Variant of Uncertain Significance.

NM_015378.4(VPS13D):c.2437A>T (p.Met813Leu)

Gene: VPS13D (vacuolar protein sorting 13 homolog D; plus strand). Cytogenetic location: 1p36.22.
Variant type: single nucleotide variant.
Coding change: c.2437A>T on transcript NM_015378.4 (MANE Select); coding-DNA position 2437, A replaced by T.
Protein change: p.Met813Leu; replaces methionine 813 with leucine.
Molecular consequence: missense variant.
Genome position (GRCh38, 1-based): chr1:12,276,025, A>T. VCF-style: chr1-12276025-A-T. GRCh37 (hg19) VCF-style: chr1-12336082-A-T.
Other names: c.2437A>T, p.Met813Leu (NM_018156.4); c.2437A>T (NM_015378.2); short protein forms M813L.
Identifiers: ClinVar variation 1939337 (VCV001939337.6), dbSNP rs1255414735, ClinGen allele CA338471462.